The following is an entry in ClinVar:

NM_032620.4(GTPBP3):c.633_647del (p.Asp211_Glu215del)

Gene: GTPBP3 (GTP binding protein 3, mitochondrial; plus strand). Cytogenetic location: 19p13.11.
Variant type: Deletion.
Coding change: c.633_647del on transcript NM_032620.4 (MANE Select); coding-DNA positions 633 to 647, 15 bases deleted (TGACAACCTGGAGGA).
Protein change: p.Asp211_Glu215del.
Molecular consequence: inframe deletion.
Genome position (GRCh38, 1-based): chr19:17,338,995-17,339,009, TGACAACCTGGAGGA deleted; deleting any 15 consecutive bases within chr19:17,338,990-17,339,009 gives the same sequence; the c. name uses the placement nearest the transcript's 3' end. VCF-style (leftmost placement, unchanged base first): chr19-17338989-CGAGGATGACAACCTG-C. GRCh37 (hg19) VCF-style: chr19-17449798-CGAGGATGACAACCTG-C.
Other names: c.633_647del, p.Asp211_Glu215del (NM_001128855.3, NM_133644.4); c.699_713del, p.Asp233_Glu237del (NM_001195422.1).
Identifiers: ClinVar variation 1448506 (VCV001448506.8), dbSNP rs1568366487, ClinGen allele CA632134140.
Genomic context (GRCh38, chr19:17,338,989, plus strand): 5'-ACCTCTGCTCTCCCTGCCCCGCCAGGCTCTGGCCCACGTGGAGGCCTATATCGATTTCGG[CGAGGATGACAACCTG>C]GAGGAGGGGGTCCTGGAGCAAGGTGGGTCTACCTGGTGGTGGGGGAGGAAGACACCTCAT-3'

ClinVar aggregate classification (germline): Uncertain significance (1 of 4 stars; one submission).

Submission:

Labcorp Genetics (formerly Invitae), Labcorp
Classification: Uncertain significance. Last evaluated: 2022-03-19. Review status: criteria provided, single submitter. Criteria: Invitae Variant Classification Sherloc (09022015). Collection method: clinical testing. Allele origin: germline.
Comment: This variant has not been reported in the literature in individuals affected with GTPBP3-related conditions. Experimental studies and prediction algorithms are not available or were not evaluated, and the functional significance of this variant is currently unknown. In summary, the available evidence is currently insufficient to determine the role of this variant in disease. Therefore, it has been classified as a Variant of Uncertain Significance. This variant is present in population databases (no rsID available, gnomAD 0.0009%). This variant, c.633_647del, results in the deletion of 5 amino acid(s) of the GTPBP3 protein (p.Asp211_Glu215del), but otherwise preserves the integrity of the reading frame.